The following is an entry in ClinVar:

NM_000211.5(ITGB2):c.1130_1131delinsTT (p.Thr377Ile)

Gene: ITGB2 (integrin subunit beta 2; minus strand). Cytogenetic location: 21q22.3.
Variant type: Indel.
Coding change: c.1130_1131delinsTT on transcript NM_000211.5 (MANE Select); coding-DNA positions 1130 to 1131, CC replaced by TT.
Protein change: p.Thr377Ile; replaces threonine 377 with isoleucine.
Molecular consequence: missense variant.
Genome position (GRCh38, 1-based): chr21:44,893,497-44,893,498, GG replaced by AA on the plus strand (CC replaced by TT on the coding strand, the reverse complement: ITGB2 is on the minus strand). VCF-style: chr21-44893497-GG-AA. GRCh37 (hg19) VCF-style: chr21-46313412-GG-AA.
Other names: c.1130_1131delinsTT, p.Thr377Ile (NM_001127491.3); c.923_924delinsTT, p.Thr308Ile (NM_001303238.2); short protein forms T377I, T308I.
Identifiers: ClinVar variation 2169052 (VCV002169052.3), dbSNP rs2517094399, ClinGen allele CA2580098945.
Genomic context (GRCh38, chr21:44,893,497, plus strand): 5'-TCTGGGCTGGTTCCTGTGCGTCACTCCATTGCTGCAGAAGGAGTCGTAGGTGACTTTCAG[GG>AA]TGTCGGGGAGGGCGTTGTGATCCAGGAAGACCCTGGAGGAGAGTTTCTGCGGGCAGAGAG-3'
Protein context (NP_000202.3, residues 367-387): VFLDHNALPD[Thr377Ile]LKVTYDSFCS

ClinVar aggregate classification (germline): Uncertain significance (1 of 4 stars; one submission).

Conditions:
Leukocyte adhesion deficiency 1 (LAD1). Also called: Lymphocyte function-associated antigen 1 immunodeficiency; LFA 1 immunodeficiency; LEUKOCYTE ADHESION DEFICIENCY, TYPE I; LAD 1. Identifiers: Orphanet 2968, Orphanet 99842, MedGen C0398738, MONDO:0007293, OMIM 116920.

Submission:

Labcorp Genetics (formerly Invitae), Labcorp
Classification: Uncertain significance for Leukocyte adhesion deficiency 1. Last evaluated: 2025-02-08. Review status: criteria provided, single submitter. Criteria: Invitae Variant Classification Sherloc (09022015). Collection method: clinical testing. Allele origin: germline.
Comment: This sequence change replaces threonine, which is neutral and polar, with isoleucine, which is neutral and non-polar, at codon 377 of the ITGB2 protein (p.Thr377Ile). This variant is present in population databases (no rsID available, gnomAD 0.0004%). This variant has not been reported in the literature in individuals affected with ITGB2-related conditions. ClinVar contains an entry for this variant (Variation ID: 2169052). An algorithm developed to predict the effect of missense changes on protein structure and function (PolyPhen-2) suggests that this variant is likely to be tolerated. In summary, the available evidence is currently insufficient to determine the role of this variant in disease. Therefore, it has been classified as a Variant of Uncertain Significance.